The following is an entry in ClinVar:

ClinVar aggregate classification (germline): Uncertain significance. Review status: criteria provided, multiple submitters, no conflicts (2 of 4 stars). 2 submissions from 2 submitters: Uncertain significance (2). Last evaluated 2025-09-22.

Allele frequency attached by ClinVar (database versions not stated): gnomAD exomes 0.00001.

Submissions (2):

Ambry Genetics
Classification: Uncertain significance. Last evaluated: 2025-09-22. Review status: criteria provided, single submitter. Criteria: Ambry Variant Classification Scheme 2023. Collection method: clinical testing. Allele origin: germline.

Labcorp Genetics (formerly Invitae), Labcorp
Classification: Uncertain significance. Last evaluated: 2025-06-11. Review status: criteria provided, single submitter. Criteria: Invitae Variant Classification Sherloc (09022015). Collection method: clinical testing. Allele origin: germline.
Comment: This sequence change replaces arginine, which is basic and polar, with glutamine, which is neutral and polar, at codon 491 of the MICAL1 protein (p.Arg491Gln). This variant is present in population databases (rs571445979, gnomAD 0.004%). This variant has not been reported in the literature in individuals affected with MICAL1-related conditions. ClinVar contains an entry for this variant (Variation ID: 2973817). An algorithm developed to predict the effect of missense changes on protein structure and function outputs the following: PolyPhen-2: "Benign". The glutamine amino acid residue is found in multiple mammalian species, which suggests that this missense change does not adversely affect protein function. In summary, the available evidence is currently insufficient to determine the role of this variant in disease. Therefore, it has been classified as a Variant of Uncertain Significance.

NM_022765.4(MICAL1):c.1415G>A (p.Arg472Gln)

Gene: MICAL1 (microtubule associated monooxygenase, calponin and LIM domain containing 1; minus strand). Cytogenetic location: 6q21.
Variant type: single nucleotide variant.
Coding change: c.1415G>A on transcript NM_022765.4 (MANE Select); coding-DNA position 1415, G replaced by A.
Protein change: p.Arg472Gln; replaces arginine 472 with glutamine.
Molecular consequence: missense variant.
Genome position (GRCh38, 1-based): chr6:109,449,676, C>T on the plus strand (G>A on the coding strand, the complement: MICAL1 is on the minus strand). VCF-style: chr6-109449676-C-T. GRCh37 (hg19) VCF-style: chr6-109770879-C-T.
Other names: c.1415G>A (NM_022765.3); c.1157G>A, p.Arg386Gln (NM_001159291.2); c.1472G>A, p.Arg491Gln (NM_001286613.2); short protein forms R472Q, R491Q, R386Q.
Identifiers: ClinVar variation 2973817 (VCV002973817.4), dbSNP rs571445979, ClinGen allele CA3953413.